The following is an entry in ClinVar:

NM_170606.3(KMT2C):c.2776A>C (p.Thr926Pro)

Gene: KMT2C (lysine methyltransferase 2C; minus strand). Cytogenetic location: 7q36.1.
Variant type: single nucleotide variant.
Coding change: c.2776A>C on transcript NM_170606.3 (MANE Select); coding-DNA position 2776, A replaced by C.
Protein change: p.Thr926Pro; replaces threonine 926 with proline.
Molecular consequence: missense variant.
Genome position (GRCh38, 1-based): chr7:152,230,315, T>G on the plus strand (A>C on the coding strand, the complement: KMT2C is on the minus strand). VCF-style: chr7-152230315-T-G. GRCh37 (hg19) VCF-style: chr7-151927400-T-G.
Other names: short protein forms T926P.
Identifiers: ClinVar variation 2441894 (VCV002441894.2), dbSNP rs759892421, ClinGen allele CA4581019.

ClinVar aggregate classification (germline): Uncertain significance. Review status: criteria provided, multiple submitters, no conflicts (2 of 4 stars). 2 submissions from 2 submitters: Uncertain significance (2). Last evaluated 2025-05-13.

Conditions:
Kleefstra syndrome 2 (KLEFS2). Identifiers: MedGen C4540395, MONDO:0054701, OMIM 617768.

Allele frequency attached by ClinVar (database versions not stated): ExAC 0.00001.

Submissions (2):

Women's Health and Genetics/Laboratory Corporation of America, LabCorp
Classification: Uncertain significance. Last evaluated: 2025-05-13. Review status: criteria provided, single submitter. Criteria: LabCorp Variant Classification Summary - May 2015. Collection method: clinical testing. Allele origin: germline.
Comment: Variant summary: KMT2C c.2776A>C (p.Thr926Pro) results in a non-conservative amino acid change in the encoded protein sequence. Algorithms developed to predict the effect of missense changes on protein structure and function are either unavailable or do not agree on the potential impact of this missense change. The variant was absent in 219728 control chromosomes. The available data on variant occurrences in the general population are insufficient to allow any conclusion about variant significance. To our knowledge, no occurrence of c.2776A>C in individuals affected with Kleefstra Syndrome 2 and no experimental evidence demonstrating its impact on protein function have been reported. ClinVar contains an entry for this variant (Variation ID: 2441894). Based on the evidence outlined above, the variant was classified as uncertain significance.

Baylor Genetics
Classification: Uncertain significance for Kleefstra syndrome 2. Last evaluated: 2022-12-17. Review status: criteria provided, single submitter. Criteria: ACMG Guidelines, 2015. Collection method: clinical testing. Allele origin: unknown.